The following is an entry in ClinVar:

NM_000478.6(ALPL):c.527C>T (p.Ala176Val)

Gene: ALPL (alkaline phosphatase, biomineralization associated; plus strand). Cytogenetic location: 1p36.12.
Variant type: single nucleotide variant.
Coding change: c.527C>T on transcript NM_000478.6 (MANE Select); coding-DNA position 527, C replaced by T.
Protein change: p.Ala176Val; replaces alanine 176 with valine.
Molecular consequence: missense variant.
Genome position (GRCh38, 1-based): chr1:21,564,095, C>T. VCF-style: chr1-21564095-C-T. GRCh37 (hg19) VCF-style: chr1-21890588-C-T.
Other names: c.362C>T, p.Ala121Val (NM_001127501.4); c.296C>T, p.Ala99Val (NM_001177520.3); c.527C>T, p.Ala176Val (NM_001369803.2, NM_001369804.2, NM_001369805.2); short protein forms A121V, A176V, A99V.
Identifiers: ClinVar variation 2664865 (VCV002664865.2), dbSNP rs2545303681, ClinGen allele CA338877895.

ClinVar aggregate classification (germline): Likely pathogenic. Review status: criteria provided, multiple submitters, no conflicts (2 of 4 stars). 2 submissions from 2 submitters: Likely pathogenic (2). Last evaluated 2025-08-29.

Conditions:
Hypophosphatasia. Also called: Phosphoethanol-aminuria. Identifiers: Orphanet 436, MedGen C0020630, MeSH D007014, MONDO:0018570.

Submissions (2):

Genomenon, Inc
Classification: Likely pathogenic for Hypophosphatasia. Last evaluated: 2025-08-29. Review status: criteria provided, single submitter. Criteria: Genomenon Sequence Variant Interpretation Standards. Collection method: curation. Allele origin: germline. Affected: yes.
Comment: ALPL c.527C>T is a missense variant that changes the amino acid at residue 176 from Alanine to Valine. This variant has been observed in at least one proband affected with hypophosphatasia (PMID:33827627). It is absent or not present at a significant frequency in gnomAD. In silico models agree that this variant is possibly or probably damaging. The presence of pathogenic missense variant(s) at the same amino acid position indicates that this residue is likely important for protein function. In conclusion, we classify ALPL p.Ala176Val (c.527C>T) as a likely pathogenic variant.

JKU Lab, Dept of Paediatrics, Johannes Kepler University
Classification: Likely pathogenic for Hypophosphatasia. Last evaluated: 2023-02-14. Review status: criteria provided, single submitter. Criteria: ACMG Guidelines, 2015. Collection method: clinical testing. Allele origin: germline. Affected: yes. Observed: 1 compound heterozygote.
Comment: Absent in GnomAD. The ACMG criteria applied can be looked up in the ALPL gene variant database.

Literature cited by the submitters: PubMed 33827627 (cited by Genomenon, Inc and JKU Lab, Dept of Paediatrics, Johannes Kepler University).